The following is an entry in ClinVar:

ClinVar aggregate classification (germline): Uncertain significance. Review status: criteria provided, multiple submitters, no conflicts (2 of 4 stars). 4 submissions from 4 submitters: Uncertain significance (4). Last evaluated 2024-11-18.

Conditions:
Cardiovascular phenotype. Identifiers: MedGen CN230736.
Familial hypercholesterolemia. Also called: Familial hypercholesterolemias; Familial hypercholesterolaemia. Identifiers: MedGen C0020445, MONDO:0005439.
Hypercholesterolemia, autosomal dominant, 3 (FHCL3). Also called: Familial hypercholesterolemia 3; Familial Hypercholesterolemia, Autosomal Dominant, 3; PCSK9-Related Familial Hypercholesterolemia, Autosomal Dominant. Identifiers: MedGen C1863551, MONDO:0011369, OMIM 603776.

Allele frequency attached by ClinVar (database versions not stated): gnomAD exomes below 0.00001; gnomAD 0.00001; TOPMed 0.00001; ExAC 0.00003.
gnomAD v4.1: 6 of 1,533,886 alleles (0.00039%); highest among the groups gnomAD compares: African/African-American, 0.0014%; no homozygotes.

Submissions (4):

Labcorp Genetics (formerly Invitae), Labcorp
Classification: Uncertain significance for Hypercholesterolemia, autosomal dominant, 3. Last evaluated: 2024-11-18. Review status: criteria provided, single submitter. Criteria: Invitae Variant Classification Sherloc (09022015). Collection method: clinical testing. Allele origin: germline.
Comment: This sequence change replaces aspartic acid, which is acidic and polar, with asparagine, which is neutral and polar, at codon 321 of the PCSK9 protein (p.Asp321Asn). The frequency data for this variant in the population databases is considered unreliable, as metrics indicate poor data quality at this position in the gnomAD database. This variant has not been reported in the literature in individuals affected with PCSK9-related conditions. ClinVar contains an entry for this variant (Variation ID: 920360). Invitae Evidence Modeling of protein sequence and biophysical properties (such as structural, functional, and spatial information, amino acid conservation, physicochemical variation, residue mobility, and thermodynamic stability) indicates that this missense variant is not expected to disrupt PCSK9 protein function with a negative predictive value of 80%. In summary, the available evidence is currently insufficient to determine the role of this variant in disease. Therefore, it has been classified as a Variant of Uncertain Significance.

Color Diagnostics, LLC DBA Color Health
Classification: Uncertain significance for Familial hypercholesterolemia. Last evaluated: 2024-03-06. Review status: criteria provided, single submitter. Criteria: ACMG Guidelines, 2015. Collection method: clinical testing. Allele origin: germline.
Comment: This missense variant replaces aspartic acid with asparagine at codon 321 of the PCSK9 protein. Computational prediction suggests that this variant may not impact protein structure and function (internally defined REVEL score threshold <= 0.5, PMID: 27666373). To our knowledge, functional studies have not been reported for this variant. This variant has not been reported in individuals affected with familial hypercholesterolemia in the literature. This variant has not been identified in the general population by the Genome Aggregation Database (gnomAD). The available evidence is insufficient to determine the role of this variant in disease conclusively. Therefore, this variant is classified as a Variant of Uncertain Significance.

Ambry Genetics
Classification: Uncertain significance for Cardiovascular phenotype. Last evaluated: 2023-09-06. Review status: criteria provided, single submitter. Criteria: Ambry Variant Classification Scheme 2023. Collection method: clinical testing. Allele origin: germline.
Comment: The p.D321N variant (also known as c.961G>A), located in coding exon 6 of the PCSK9 gene, results from a G to A substitution at nucleotide position 961. The aspartic acid at codon 321 is replaced by asparagine, an amino acid with highly similar properties. This amino acid position is conserved. In addition, this alteration is predicted to be tolerated by in silico analysis. Since supporting evidence is limited at this time, the clinical significance of this alteration remains unclear.

All of Us Research Program, National Institutes of Health
Classification: Uncertain significance for Hypercholesterolemia, autosomal dominant, 3. Last evaluated: 2023-08-15. Review status: criteria provided, single submitter. Criteria: ACMG Guidelines, 2015. Collection method: clinical testing. Allele origin: germline. Inheritance: Autosomal dominant inheritance. Observed: 2 variant alleles, 2 heterozygotes.
Comment: This missense variant replaces aspartic acid with asparagine at codon 321 of the PCSK9 protein. Computational prediction suggests that this variant may not impact protein structure and function (internally defined REVEL score threshold <= 0.5, PMID: 27666373). To our knowledge, functional studies have not been reported for this variant. This variant has not been reported in individuals affected with familial hypercholesterolemia in the literature. This variant has not been identified in the general population by the Genome Aggregation Database (gnomAD). The available evidence is insufficient to determine the role of this variant in disease conclusively. Therefore, this variant is classified as a Variant of Uncertain Significance.

This study involves interpretation of variants in research participants for the purpose of population health screening. Participant phenotype was not available at the time of variant classification. Additional details can be found in publication PMID: 35346344, PMCID: PMC8962531

NM_174936.4(PCSK9):c.961G>A (p.Asp321Asn)

Gene: PCSK9 (proprotein convertase subtilisin/kexin type 9; plus strand). Cytogenetic location: 1p32.3.
Variant type: single nucleotide variant.
Coding change: c.961G>A on transcript NM_174936.4 (MANE Select); coding-DNA position 961, G replaced by A.
Protein change: p.Asp321Asn; replaces aspartic acid 321 with asparagine.
Molecular consequence: missense variant.
Genome position (GRCh38, 1-based): chr1:55,056,154, G>A. VCF-style: chr1-55056154-G-A. GRCh37 (hg19) VCF-style: chr1-55521827-G-A.
Other names: c.1084G>A, p.Asp362Asn (NM_001407240.1); c.961G>A, p.Asp321Asn (NM_001407241.1, NM_001407244.1, NM_001407247.1); c.964G>A, p.Asp322Asn (NM_001407242.1); c.904G>A, p.Asp302Asn (NM_001407243.1); c.769G>A, p.Asp257Asn (NM_001407245.1); c.586G>A, p.Asp196Asn (NM_001407246.1); short protein forms D321N, D196N, D257N, D322N, D302N, D362N.
Identifiers: ClinVar variation 920360 (VCV000920360.11), dbSNP rs780509319, ClinGen allele CA045234.
Genomic context (GRCh38, chr1:55,056,154, plus strand): 5'-TGCCAGCGCCTGGCGAGGGCTGGGGTCGTGCTGGTCACCGCTGCCGGCAACTTCCGGGAC[G>A]ATGCCTGCCTCTACTCCCCAGCCTCAGCTCCCGAGGTAGGTGCTGGGGCTGCTGCCCCAA-3'
Protein context (NP_777596.2, residues 311-331): LVTAAGNFRD[Asp321Asn]ACLYSPASAP